The following is an entry in ClinVar:

ClinVar aggregate classification (germline): Uncertain significance (1 of 4 stars; one submission).

Submission:

CeGaT Center for Human Genetics Tuebingen
Classification: Uncertain significance. Last evaluated: 2026-08-01. Review status: criteria provided, single submitter. Criteria: CeGaT Center For Human Genetics Tuebingen Variant Classification Criteria Version 2. Collection method: clinical testing. Allele origin: germline. Affected: yes. Observed: 1 variant allele.
Comment: DYNC1H1: PM2, PP2, BP5

NM_001376.5(DYNC1H1):c.1408A>G (p.Arg470Gly)

Gene: DYNC1H1 (dynein cytoplasmic 1 heavy chain 1; plus strand). Cytogenetic location: 14q32.31.
Variant type: single nucleotide variant.
Coding change: c.1408A>G on transcript NM_001376.5 (MANE Select); coding-DNA position 1408, A replaced by G.
Protein change: p.Arg470Gly; replaces arginine 470 with glycine.
Molecular consequence: missense variant.
Genome position (GRCh38, 1-based): chr14:101,983,556, A>G. VCF-style: chr14-101983556-A-G. GRCh37 (hg19) VCF-style: chr14-102449893-A-G.
Other names: short protein forms R470G.
Identifiers: ClinVar variation 5040669 (VCV005040669.1).